The following is an entry in ClinVar:

ClinVar aggregate classification (germline): Uncertain significance. Review status: criteria provided, multiple submitters, no conflicts (2 of 4 stars). 2 submissions from 2 submitters: Uncertain significance (2). Last evaluated 2024-11-03.

Conditions:
Cardiovascular phenotype. Identifiers: MedGen CN230736.
Arrhythmogenic right ventricular dysplasia 12. Also called: ARRHYTHMOGENIC RIGHT VENTRICULAR DYSPLASIA, FAMILIAL, 12. Identifiers: MedGen C1969081, MONDO:0012684, OMIM 611528.
Naxos disease (NXD). Also called: KERATOSIS PALMOPLANTARIS WITH ARRHYTHMOGENIC CARDIOMYOPATHY; MAL DE NAXOS; PALMOPLANTAR KERATODERMA WITH ARRHYTHMOGENIC RIGHT VENTRICULAR CARDIOMYOPATHY AND WOOLLY HAIR; CARDIOMYOPATHY, ARRHYTHMOGENIC RIGHT VENTRICULAR, WITH SKIN, HAIR, AND NAIL ABNORMALITIES; WOOLLY HAIR, PALMOPLANTAR KERATODERMA, AND CARDIAC ABNORMALITIES. Identifiers: Orphanet 34217, MedGen C1832600, MONDO:0011017, OMIM 601214.

Allele frequency attached by ClinVar (database versions not stated): gnomAD exomes 0.00001; TOPMed 0.00001; ExAC 0.00003; ESP Exome Variant Server 0.00008.
gnomAD v4.1: 2 of 1,598,672 alleles (0.00013%); highest among the groups gnomAD compares: African/African-American, 0.0013%; no homozygotes.

Submissions (2):

Labcorp Genetics (formerly Invitae), Labcorp
Classification: Uncertain significance for Arrhythmogenic right ventricular dysplasia 12; Naxos disease. Last evaluated: 2024-11-03. Review status: criteria provided, single submitter. Criteria: Invitae Variant Classification Sherloc (09022015). Collection method: clinical testing. Allele origin: germline.
Comment: This sequence change falls in intron 4 of the JUP gene. It does not directly change the encoded amino acid sequence of the JUP protein. It affects a nucleotide within the consensus splice site. The frequency data for this variant in the population databases is considered unreliable, as metrics indicate poor data quality at this position in the gnomAD database. This variant has not been reported in the literature in individuals affected with JUP-related conditions. ClinVar contains an entry for this variant (Variation ID: 855950). Variants that disrupt the consensus splice site are a relatively common cause of aberrant splicing (PMID: 17576681, 9536098). Algorithms developed to predict the effect of sequence changes on RNA splicing suggest that this variant is not likely to affect RNA splicing. In summary, the available evidence is currently insufficient to determine the role of this variant in disease. Therefore, it has been classified as a Variant of Uncertain Significance.

Ambry Genetics
Classification: Uncertain significance for Cardiovascular phenotype. Last evaluated: 2022-06-29. Review status: criteria provided, single submitter. Criteria: Ambry Variant Classification Scheme 2023. Collection method: clinical testing. Allele origin: germline.
Comment: The c.707+5C>A intronic variant results from a C to A substitution 5 nucleotides after coding exon 3 in the JUP gene. This nucleotide position is well conserved in available vertebrate species. In silico splice site analysis predicts that this alteration will not have any significant effect on splicing. Since supporting evidence is limited at this time, the clinical significance of this alteration remains unclear.

Literature cited by the submitters: PubMed 17576681 (cited by Labcorp Genetics (formerly Invitae), Labcorp); PubMed 9536098 (cited by Labcorp Genetics (formerly Invitae), Labcorp).

NM_002230.4(JUP):c.707+5C>A

Gene: JUP (junction plakoglobin; minus strand). Cytogenetic location: 17q21.2.
Variant type: single nucleotide variant.
Coding change: c.707+5C>A on transcript NM_002230.4 (MANE Select); 5 bases into the intron after coding-DNA position 707, C replaced by A.
Molecular consequence: intron variant.
Genome position (GRCh38, 1-based): chr17:41,768,964, G>T on the plus strand (C>A on the coding strand, the complement: JUP is on the minus strand). VCF-style: chr17-41768964-G-T. GRCh37 (hg19) VCF-style: chr17-39925216-G-T.
Other names: c.707+5C>A (NM_001352774.2, NM_021991.4, NM_001352776.2 and 3 more transcripts).
Identifiers: ClinVar variation 855950 (VCV000855950.11), dbSNP rs375580484, ClinGen allele CA8565409.